The following is an entry in ClinVar:

NM_020066.5(FMN2):c.731G>C (p.Gly244Ala)

Gene: FMN2 (formin 2; plus strand). Cytogenetic location: 1q43.
Variant type: single nucleotide variant.
Coding change: c.731G>C on transcript NM_020066.5 (MANE Select); coding-DNA position 731, G replaced by C.
Protein change: p.Gly244Ala; replaces glycine 244 with alanine.
Molecular consequence: missense variant.
Genome position (GRCh38, 1-based): chr1:240,092,840, G>C. VCF-style: chr1-240092840-G-C. GRCh37 (hg19) VCF-style: chr1-240256140-G-C.
Other names: c.731G>C, p.Gly244Ala (NM_001348094.2, NM_001305424.2); short protein forms G244A.
Identifiers: ClinVar variation 2505861 (VCV002505861.2), dbSNP rs1021104317, ClinGen allele CA39890287.

ClinVar aggregate classification (germline): Uncertain significance. Review status: criteria provided, multiple submitters, no conflicts (2 of 4 stars). 2 submissions from 2 submitters: Uncertain significance (2). Last evaluated 2025-10-02.

Conditions:
Inborn genetic diseases. Identifiers: MedGen C0950123, MeSH D030342.

Allele frequency attached by ClinVar (database versions not stated): TOPMed 0.00002; gnomAD 0.00003.
gnomAD v4.1: 9 of 1,552,944 alleles (0.00058%); highest among the groups gnomAD compares: African/African-American, 0.012%; no homozygotes.

Submissions (2):

Ambry Genetics
Classification: Uncertain significance for Inborn genetic diseases. Last evaluated: 2025-10-02. Review status: criteria provided, single submitter. Criteria: Ambry Variant Classification Scheme 2023. Collection method: clinical testing. Allele origin: germline.

GeneDx
Classification: Uncertain significance. Last evaluated: 2022-12-15. Review status: criteria provided, single submitter. Criteria: GeneDx Variant Classification Process June 2021. Collection method: clinical testing. Allele origin: germline. Affected: yes.
Comment: Not observed at significant frequency in large population cohorts (gnomAD); In silico analysis supports that this missense variant does not alter protein structure/function; Has not been previously published as pathogenic or benign to our knowledge